The following is an entry in ClinVar:

NM_001393769.1(MED12L):c.1762A>C (p.Asn588His)

Gene: MED12L (mediator complex subunit 12L; plus strand). Cytogenetic location: 3q25.1.
Variant type: single nucleotide variant.
Coding change: c.1762A>C on transcript NM_001393769.1 (MANE Select); coding-DNA position 1762, A replaced by C.
Protein change: p.Asn588His; replaces asparagine 588 with histidine.
Molecular consequence: missense variant.
Genome position (GRCh38, 1-based): chr3:151,190,725, A>C. VCF-style: chr3-151190725-A-C. GRCh37 (hg19) VCF-style: chr3-150908512-A-C.
Other names: c.1762A>C, p.Asn588His (NM_053002.6); short protein forms N588H.
Identifiers: ClinVar variation 3376325 (VCV003376325.1).

ClinVar aggregate classification (germline): Uncertain significance (1 of 4 stars; one submission).

Conditions:
Nizon-Isidor syndrome. Identifiers: MedGen C5394350, MONDO:0030030, OMIM 618872.

gnomAD v4.1: 9 of 1,613,982 alleles (0.00056%); highest among the groups gnomAD compares: African/African-American, 0.0013%; no homozygotes.

Submission:

Pittsburgh Clinical Genomics Laboratory, University of Pittsburgh Medical Center
Classification: Uncertain significance for Nizon-Isidor syndrome. Last evaluated: 2023-05-19. Review status: criteria provided, single submitter. Criteria: ACMG Guidelines, 2015. Collection method: clinical testing. Allele origin: germline. Inheritance: Autosomal dominant inheritance. Affected: yes.
Comment: This sequence variant is a single nucleotide substitution (A>C) at coding nucleotide 1762 of the MED12L gene that results in an asparagine to histidine amino acid change at residue 588 of the MED12L protein. This is a novel variant that is absent from an online database of clinically annotated variants and from the gnomAD control population dataset (0 of approximately 250,000 alleles). To our knowledge, this variant has not been observed in an individual with a MED12L-related disorder in the published literature. Multiple bioinformatic tools predict that this asparagine to histidine amino acid change would be damaging, and the asparagine residue is strongly conserved at this position across the vertebrate species examined. Studies examining the functiol consequence of this variant have not been published, to our knowledge. At this time, there is insufficient evidence to determine if this variant is pathogenic or benign. Therefore, we consider this a variant of uncertain significance. ACMG Criteria: PM2, PP3